The following is an entry in ClinVar:

NM_006506.5(RASA2):c.15_32dup (p.Ala11_Ser12insProAlaAlaAlaAlaAla)

Genes: RASA2 (RAS p21 protein activator 2; plus strand), LOC129937686 (ATAC-STARR-seq lymphoblastoid silent region 14777; plus strand). Cytogenetic location: 3q23.
Variant type: Duplication.
Coding change: c.15_32dup on transcript NM_006506.5 (MANE Select); coding-DNA positions 15 to 32, 18 bases duplicated (GCCTGCTGCTGCGGCGGC).
Protein change: p.Ala11_Ser12insProAlaAlaAlaAlaAla.
Molecular consequence: inframe insertion.
Genome position (GRCh38, 1-based): chr3:141,487,098-141,487,115, GCCTGCTGCTGCGGCGGC duplicated; duplicating any 18 consecutive bases within chr3:141,487,090-141,487,115 gives the same sequence; the c. name uses the placement nearest the transcript's 3' end. VCF-style (leftmost placement, unchanged base first): chr3-141487089-G-GGCGGCGGCGCCTGCTGCT. GRCh37 (hg19) VCF-style: chr3-141205931-G-GGCGGCGGCGCCTGCTGCT.
Other names: c.15_32dup, p.Ala11_Ser12insProAlaAlaAlaAlaAla (NM_001303245.3, NM_001303246.3).
Identifiers: ClinVar variation 2421860 (VCV002421860.8), dbSNP rs769524904, ClinGen allele CA2645071.
Genomic context (GRCh38, chr3:141,487,089, plus strand): 5'-TCCGCCTCGCCCGGCTACGCAGGCGGCAGGGCTGCGGCACGGGCCGGGCGGCACCATGGC[G>GGCGGCGGCGCCTGCTGCT]GCGGCGGCGCCTGCTGCTGCGGCGGCTTCTTCCGAGGCGCCAGCGGCGAGTGCGACTGCA-3'

ClinVar aggregate classification (germline): Conflicting classifications of pathogenicity. Review status: criteria provided, conflicting classifications (1 of 4 stars). 2 submissions from 2 submitters: Uncertain significance (1); Likely benign (1). Last evaluated 2026-01-16.

Submissions (2):

Labcorp Genetics (formerly Invitae), Labcorp
Classification: Uncertain significance. Last evaluated: 2026-01-16. Review status: criteria provided, single submitter. Criteria: Invitae Variant Classification Sherloc (09022015). Collection method: clinical testing. Allele origin: germline.
Comment: This variant, c.15_32dup, results in the insertion of 6 amino acid(s) of the RASA2 protein (p.Pro6_Ala11dup), but otherwise preserves the integrity of the reading frame. This variant is present in population databases (rs772613760, gnomAD 0.06%). This variant has not been reported in the literature in individuals affected with RASA2-related conditions. ClinVar contains an entry for this variant (Variation ID: 2421860). In summary, the available evidence is currently insufficient to determine the role of this variant in disease. Therefore, it has been classified as a Variant of Uncertain Significance.

Blueprint Genetics
Classification: Likely benign. Last evaluated: 2024-08-05. Review status: criteria provided, single submitter. Criteria: ACMG Guidelines, 2015. Collection method: clinical testing. Allele origin: germline.